The following is an entry in ClinVar:

NM_001378454.1(ALMS1):c.3278C>T (p.Pro1093Leu)

Gene: ALMS1 (ALMS1 centrosome and basal body associated protein; plus strand). Cytogenetic location: 2p13.1.
Variant type: single nucleotide variant.
Coding change: c.3278C>T on transcript NM_001378454.1 (MANE Select); coding-DNA position 3278, C replaced by T.
Protein change: p.Pro1093Leu; replaces proline 1093 with leucine.
Molecular consequence: missense variant.
Genome position (GRCh38, 1-based): chr2:73,449,805, C>T. VCF-style: chr2-73449805-C-T. GRCh37 (hg19) VCF-style: chr2-73676932-C-T.
Other names: c.3281C>T, p.Pro1094Leu (NM_015120.4); short protein forms P1094L, P1093L.
Identifiers: ClinVar variation 550248 (VCV000550248.10), dbSNP rs766187468, ClinGen allele CA1713494.

ClinVar aggregate classification (germline): Conflicting classifications of pathogenicity. Review status: criteria provided, conflicting classifications (1 of 4 stars). 6 submissions from 6 submitters: Uncertain significance (3); Benign (1). 2 of the submissions do not count toward it. Last evaluated 2025-11-20.

Conditions:
Cardiovascular phenotype. Identifiers: MedGen CN230736.
Alstrom syndrome (ALMS). Identifiers: Orphanet 64, MedGen C0268425, MONDO:0008763, OMIM 203800.

Allele frequency attached by ClinVar (database versions not stated): TOPMed 0.00007; ExAC 0.00017; gnomAD exomes 0.00021.
gnomAD v4.1: 86 of 1,613,920 alleles (0.0053%); highest among the groups gnomAD compares: Admixed American, 0.088%; no homozygotes.

Submissions (6):

GeneDx
Classification: Uncertain significance. Last evaluated: 2025-11-20. Review status: criteria provided, single submitter. Criteria: GeneDx Variant Classification Process June 2021. Collection method: clinical testing. Allele origin: germline. Affected: yes.
Comment: In silico analysis supports that this missense variant has a deleterious effect on protein structure/function; Has not been previously published as pathogenic or benign to our knowledge

Ambry Genetics
Classification: Benign for Cardiovascular phenotype. Last evaluated: 2023-11-16. Review status: criteria provided, single submitter. Criteria: Ambry Variant Classification Scheme 2023. Collection method: clinical testing. Allele origin: germline.

Blueprint Genetics
Classification: Uncertain significance. Last evaluated: 2022-11-06. Review status: criteria provided, single submitter. Criteria: ACMG Guidelines, 2015. Collection method: clinical testing. Allele origin: germline.

Labcorp Genetics (formerly Invitae), Labcorp
Classification: Uncertain significance for Alstrom syndrome. Last evaluated: 2022-11-01. Review status: criteria provided, single submitter. Criteria: Invitae Variant Classification Sherloc (09022015). Collection method: clinical testing. Allele origin: germline.
Comment: This sequence change replaces proline, which is neutral and non-polar, with leucine, which is neutral and non-polar, at codon 1094 of the ALMS1 protein (p.Pro1094Leu). This variant is present in population databases (rs766187468, gnomAD 0.1%). This variant has not been reported in the literature in individuals affected with ALMS1-related conditions. ClinVar contains an entry for this variant (Variation ID: 550248). Algorithms developed to predict the effect of missense changes on protein structure and function output the following: SIFT: "Not Available"; PolyPhen-2: "Not Available"; Align-GVGD: "Not Available". The leucine amino acid residue is found in multiple mammalian species, which suggests that this missense change does not adversely affect protein function. In summary, the available evidence is currently insufficient to determine the role of this variant in disease. Therefore, it has been classified as a Variant of Uncertain Significance.

Natera, Inc.
Classification: Uncertain significance for Alstrom syndrome. Last evaluated: 2020-01-24. Review status: no assertion criteria provided. Collection method: clinical testing. Allele origin: germline. Not counted in ClinVar's aggregate classification.

Counsyl
Classification: Uncertain significance for Alstrom syndrome. Last evaluated: 2016-12-23. Review status: no assertion criteria provided. Collection method: clinical testing. Allele origin: unknown. Not counted in ClinVar's aggregate classification.